The following is an entry in ClinVar:

NM_032634.4(PIGO):c.908C>G (p.Pro303Arg)

Gene: PIGO (phosphatidylinositol glycan anchor biosynthesis class O; minus strand). Cytogenetic location: 9p13.3.
Variant type: single nucleotide variant.
Coding change: c.908C>G on transcript NM_032634.4 (MANE Select); coding-DNA position 908, C replaced by G.
Protein change: p.Pro303Arg; replaces proline 303 with arginine.
Molecular consequence: missense variant.
Genome position (GRCh38, 1-based): chr9:35,093,452, G>C on the plus strand (C>G on the coding strand, the complement: PIGO is on the minus strand). VCF-style: chr9-35093452-G-C. GRCh37 (hg19) VCF-style: chr9-35093449-G-C.
Other names: c.908C>G, p.Pro303Arg (NM_001201484.2, NM_152850.4); short protein forms P303R.
Identifiers: ClinVar variation 665969 (VCV000665969.8), dbSNP rs1587170972, ClinGen allele CA373323228.

ClinVar aggregate classification (germline): Uncertain significance (1 of 4 stars; one submission).

Conditions:
Hyperphosphatasia with impaired intellectual development syndrome 2. Also called: Hyperphosphatasia with intellectual disability syndrome 2; GLYCOSYLPHOSPHATIDYLINOSITOL BIOSYNTHESIS DEFECT 6. Identifiers: Orphanet 247262, MedGen C3553637, MONDO:0013882, OMIM 614749.

Submission:

Labcorp Genetics (formerly Invitae), Labcorp
Classification: Uncertain significance for Hyperphosphatasia with impaired intellectual development syndrome 2. Last evaluated: 2018-09-06. Review status: criteria provided, single submitter. Criteria: Invitae Variant Classification Sherloc (09022015). Collection method: clinical testing. Allele origin: germline.
Comment: This variant is not present in population databases (ExAC no frequency). This sequence change replaces proline with arginine at codon 303 of the PIGO protein (p.Pro303Arg). The proline residue is weakly conserved and there is a moderate physicochemical difference between proline and arginine. This variant has not been reported in the literature in individuals with PIGO-related disease. Algorithms developed to predict the effect of missense changes on protein structure and function (SIFT, PolyPhen-2, Align-GVGD) all suggest that this variant is likely to be tolerated, but these predictions have not been confirmed by published functional studies and their clinical significance is uncertain. In summary, the available evidence is currently insufficient to determine the role of this variant in disease. Therefore, it has been classified as a Variant of Uncertain Significance.